The following is an entry in ClinVar:

ClinVar aggregate classification (germline): Uncertain significance (1 of 4 stars; one submission).

Conditions:
Congenital contractural arachnodactyly (CCA). Also called: Beals-Hecht syndrome; BEALS SYNDROME; Arthrogryposis, distal, type 9. Identifiers: Orphanet 115, MedGen C0220668, MONDO:0007363, OMIM 121050.

gnomAD v4.1: 3 of 1,613,388 alleles (0.00019%); highest among the groups gnomAD compares: Non-Finnish European, 0.00025%; no homozygotes.

Submission:

Labcorp Genetics (formerly Invitae), Labcorp
Classification: Uncertain significance for Congenital contractural arachnodactyly. Last evaluated: 2025-12-03. Review status: criteria provided, single submitter. Criteria: Invitae Variant Classification Sherloc (09022015). Collection method: clinical testing. Allele origin: germline.
Comment: This sequence change replaces proline, which is neutral and non-polar, with leucine, which is neutral and non-polar, at codon 86 of the FBN2 protein (p.Pro86Leu). This variant is not present in population databases (gnomAD no frequency). This variant has not been reported in the literature in individuals affected with FBN2-related conditions. Experimental studies and prediction algorithms are not available or were not evaluated, and the functional significance of this variant is currently unknown. In summary, the available evidence is currently insufficient to determine the role of this variant in disease. Therefore, it has been classified as a Variant of Uncertain Significance.

NM_001999.4(FBN2):c.257C>T (p.Pro86Leu)

Gene: FBN2 (fibrillin 2; minus strand). Cytogenetic location: 5q23.3.
Variant type: single nucleotide variant.
Coding change: c.257C>T on transcript NM_001999.4 (MANE Select); coding-DNA position 257, C replaced by T.
Protein change: p.Pro86Leu; replaces proline 86 with leucine.
Molecular consequence: missense variant.
Genome position (GRCh38, 1-based): chr5:128,536,482, G>A on the plus strand (C>T on the coding strand, the complement: FBN2 is on the minus strand). VCF-style: chr5-128536482-G-A. GRCh37 (hg19) VCF-style: chr5-127872175-G-A.
Other names: short protein forms P86L.
Identifiers: ClinVar variation 4732138 (VCV004732138.1).